The following is an entry in ClinVar:

ClinVar aggregate classification (germline): Uncertain significance (1 of 4 stars; one submission).

Submission:

CeGaT Center for Human Genetics Tuebingen
Classification: Uncertain significance. Last evaluated: 2023-07-01. Review status: criteria provided, single submitter. Criteria: CeGaT Center For Human Genetics Tuebingen Variant Classification Criteria Version 2. Collection method: clinical testing. Allele origin: germline. Affected: yes. Observed: 1 variant allele.
Comment: CAMK2B: PM2

NM_001220.5(CAMK2B):c.1505G>T (p.Arg502Met)

Gene: CAMK2B (calcium/calmodulin dependent protein kinase II beta; minus strand). Cytogenetic location: 7p13.
Variant type: single nucleotide variant.
Coding change: c.1505G>T on transcript NM_001220.5 (MANE Select); coding-DNA position 1505, G replaced by T.
Protein change: p.Arg502Met; replaces arginine 502 with methionine.
Molecular consequence: missense variant. On other transcripts: intron variant (8).
Genome position (GRCh38, 1-based): chr7:44,226,608, C>A on the plus strand (G>T on the coding strand, the complement: CAMK2B is on the minus strand). VCF-style: chr7-44226608-C-A. GRCh37 (hg19) VCF-style: chr7-44266207-C-A.
Other names: c.947-5707G>T (NM_172084.3); c.1150+4398G>T (NM_172080.3); c.1036+4398G>T (NM_172083.3); c.1108+4398G>T (NM_172081.3); c.1153+4398G>T (NM_172079.3, NM_172082.3); c.1225+4398G>T (NM_001293170.2, NM_172078.3); short protein forms R502M.
Identifiers: ClinVar variation 2657426 (VCV002657426.24), dbSNP rs2096483207, ClinGen allele CA367371675.